The following is an entry in ClinVar:

NM_001378414.1(HDAC4):c.231G>A (p.Ala77=)

Gene: HDAC4 (histone deacetylase 4; minus strand). Cytogenetic location: 2q37.3.
Variant type: single nucleotide variant.
Coding change: c.231G>A on transcript NM_001378414.1 (MANE Select); coding-DNA position 231, G replaced by A.
Protein change: p.Ala77=; no amino-acid change (alanine 77 retained).
Molecular consequence: synonymous variant.
Genome position (GRCh38, 1-based): chr2:239,189,941, C>T on the plus strand (G>A on the coding strand, the complement: HDAC4 is on the minus strand). VCF-style: chr2-239189941-C-T. GRCh37 (hg19) VCF-style: chr2-240111637-C-T.
Other names: c.231G>A, p.Ala77= (NM_001378415.1, NM_001378416.1, NM_001378417.1 and 1 more transcripts).
Identifiers: ClinVar variation 1973078 (VCV001973078.29), dbSNP rs373165828, ClinGen allele CA2200322.

ClinVar aggregate classification (germline): Benign/Likely benign. Review status: criteria provided, multiple submitters, no conflicts (2 of 4 stars). 2 submissions from 2 submitters: Benign (1); Likely benign (1). Last evaluated 2026-09-01.

Allele frequency attached by ClinVar (database versions not stated): TOPMed 0.00012; ESP Exome Variant Server 0.00015; ExAC 0.00019.
gnomAD v4.1: 68 of 1,610,020 alleles (0.0042%); highest among the groups gnomAD compares: Admixed American, 0.06%; no homozygotes.

Submissions (2):

CeGaT Center for Human Genetics Tuebingen
Classification: Likely benign. Last evaluated: 2026-09-01. Review status: criteria provided, single submitter. Criteria: CeGaT Center For Human Genetics Tuebingen Variant Classification Criteria Version 2. Collection method: clinical testing. Allele origin: germline. Affected: yes. Observed: 2 variant alleles.
Comment: HDAC4: BP4, BP7

Labcorp Genetics (formerly Invitae), Labcorp
Classification: Benign. Last evaluated: 2025-08-19. Review status: criteria provided, single submitter. Criteria: Invitae Variant Classification Sherloc (09022015). Collection method: clinical testing. Allele origin: germline.